The following is an entry in ClinVar:

NM_213599.3(ANO5):c.2000T>A (p.Leu667His)

Gene: ANO5 (anoctamin 5; plus strand). Cytogenetic location: 11p14.3.
Variant type: single nucleotide variant.
Coding change: c.2000T>A on transcript NM_213599.3 (MANE Select); coding-DNA position 2000, T replaced by A.
Protein change: p.Leu667His; replaces leucine 667 with histidine.
Molecular consequence: missense variant.
Genome position (GRCh38, 1-based): chr11:22,270,413, T>A. VCF-style: chr11-22270413-T-A. GRCh37 (hg19) VCF-style: chr11-22291959-T-A.
Other names: c.1997T>A, p.Leu666His (NM_001142649.2); short protein forms L666H, L667H.
Identifiers: ClinVar variation 1006617 (VCV001006617.9), dbSNP rs1294495622, ClinGen allele CA379923447.

ClinVar aggregate classification (germline): Uncertain significance (1 of 4 stars; one submission).

Conditions:
Autosomal recessive limb-girdle muscular dystrophy type 2L (LGMDR12). Also called: MUSCULAR DYSTROPHY, LIMB-GIRDLE, AUTOSOMAL RECESSIVE 12; Limb-Girdle Muscular Dystrophy R12 Anoctamin-5-Related (LGMD-R12); Limb-girdle muscular dystrophy, type 2L. Identifiers: Orphanet 206549, MedGen C1969785, MONDO:0012652, OMIM 611307.
Gnathodiaphyseal dysplasia (GDD). Also called: GNATHODIAPHYSEAL SCLEROSIS; OSTEOGENESIS IMPERFECTA WITH UNUSUAL SKELETAL LESIONS. Identifiers: Orphanet 53697, MedGen C1833736, MONDO:0008151, OMIM 166260.

Allele frequency attached by ClinVar (database versions not stated): gnomAD 0.00001; TOPMed 0.00003.
gnomAD v4.1: 4 of 1,614,060 alleles (0.00025%); no homozygotes.

Submission:

Labcorp Genetics (formerly Invitae), Labcorp
Classification: Uncertain significance for Autosomal recessive limb-girdle muscular dystrophy type 2L; Gnathodiaphyseal dysplasia. Last evaluated: 2025-04-30. Review status: criteria provided, single submitter. Criteria: Invitae Variant Classification Sherloc (09022015). Collection method: clinical testing. Allele origin: germline.
Comment: This sequence change replaces leucine, which is neutral and non-polar, with histidine, which is basic and polar, at codon 667 of the ANO5 protein (p.Leu667His). This variant is not present in population databases (gnomAD no frequency). This variant has not been reported in the literature in individuals affected with ANO5-related conditions. ClinVar contains an entry for this variant (Variation ID: 1006617). Invitae Evidence Modeling of protein sequence and biophysical properties (such as structural, functional, and spatial information, amino acid conservation, physicochemical variation, residue mobility, and thermodynamic stability) has been performed for this missense variant. However, the output from this modeling did not meet the statistical confidence thresholds required to predict the impact of this variant on ANO5 protein function. In summary, the available evidence is currently insufficient to determine the role of this variant in disease. Therefore, it has been classified as a Variant of Uncertain Significance.